The following is an entry in ClinVar:

NM_002693.3(POLG):c.1235C>T (p.Pro412Leu)

Gene: POLG (DNA polymerase gamma, catalytic subunit; minus strand). Cytogenetic location: 15q26.1.
Variant type: single nucleotide variant.
Coding change: c.1235C>T on transcript NM_002693.3 (MANE Select); coding-DNA position 1235, C replaced by T.
Protein change: p.Pro412Leu; replaces proline 412 with leucine.
Molecular consequence: missense variant.
Genome position (GRCh38, 1-based): chr15:89,328,471, G>A on the plus strand (C>T on the coding strand, the complement: POLG is on the minus strand). VCF-style: chr15-89328471-G-A. GRCh37 (hg19) VCF-style: chr15-89871702-G-A.
Other names: p.Pro412Leu; c.1235C>T, p.Pro412Leu (NM_001126131.2); short protein forms P412L.
Identifiers: ClinVar variation 129988 (VCV000129988.43), dbSNP rs587780420, ClinGen allele CA231402.

ClinVar aggregate classification (germline): Uncertain significance. Review status: criteria provided, multiple submitters, no conflicts (2 of 4 stars). 8 submissions from 8 submitters: Uncertain significance (8). Last evaluated 2025-02-06.

Conditions:
POLG-related disorder. Also called: POLG-Related Spectrum Disorders; POLG-related condition; POLG-Related Disorders. Identifiers: MedGen C4763519.
Progressive sclerosing poliodystrophy (MTDPS4A). Also called: NEURONAL DEGENERATION OF CHILDHOOD WITH LIVER DISEASE, PROGRESSIVE; Alpers Syndrome; ALPERS DIFFUSE DEGENERATION OF CEREBRAL GRAY MATTER WITH HEPATIC CIRRHOSIS; Mitochondrial DNA depletion syndrome 4A (Alpers type); ALPERS PROGRESSIVE INFANTILE POLIODYSTROPHY; Alpers-Huttenlocher Syndrome. Identifiers: Orphanet 726, MedGen C0205710, MONDO:0008758, OMIM 203700.

Allele frequency attached by ClinVar (database versions not stated): gnomAD 0.00003; gnomAD exomes 0.00004 and 0.00005; ExAC 0.00006; TOPMed 0.00009.
gnomAD v4.1: 64 of 1,613,380 alleles (0.004%); highest among the groups gnomAD compares: East Asian, 0.022%; no homozygotes.

Submissions (8):

PreventionGenetics, part of Exact Sciences
Classification: Uncertain significance for POLG-related condition. Last evaluated: 2025-02-06. Review status: criteria provided, single submitter. Criteria: ACMG Guidelines, 2015. Collection method: clinical testing. Allele origin: germline.
Comment: The POLG c.1235C>T variant is predicted to result in the amino acid substitution p.Pro412Leu. This variant has been reported in an individual with spastic ataxic gait and multiple lipomas (Da Pozzo et al. 2017. PubMed ID: 28130605), in an individual with bipolar disorder (Kasahara et al. 2017. PubMed ID: 27987238) and in at least two individuals with Parkinson's disease (Supplementary Table 4B, Zhao et al. 2020. PubMed ID: 32613234). An in vitro functional study showed that exonuclease activity of this variant was lower compared to control, while polymerase activity remained unchanged (Kasahara et al. 2017. PubMed ID: 27987238). This variant is reported in 0.033% of alleles in individuals of East Asian descent in gnomAD. At this time, the clinical significance of this variant is uncertain due to the absence of conclusive functional and genetic evidence.

Mayo Clinic Laboratories, Mayo Clinic
Classification: Uncertain significance. Last evaluated: 2025-01-23. Review status: criteria provided, single submitter. Criteria: ACMG Guidelines, 2015. Collection method: clinical testing. Allele origin: germline. Observed: 1 variant allele.
Comment: PP3

Labcorp Genetics (formerly Invitae), Labcorp
Classification: Uncertain significance for Progressive sclerosing poliodystrophy. Last evaluated: 2025-01-01. Review status: criteria provided, single submitter. Criteria: Invitae Variant Classification Sherloc (09022015). Collection method: clinical testing. Allele origin: germline.
Comment: This sequence change replaces proline, which is neutral and non-polar, with leucine, which is neutral and non-polar, at codon 412 of the POLG protein (p.Pro412Leu). This variant is present in population databases (rs587780420, gnomAD 0.02%). This missense change has been observed in individual(s) with late onset spastic‚Äìataxic gait and multiple lipomas, Parkinson disease (PMID: 28130605, 32613234). ClinVar contains an entry for this variant (Variation ID: 129988). Invitae Evidence Modeling of protein sequence and biophysical properties (such as structural, functional, and spatial information, amino acid conservation, physicochemical variation, residue mobility, and thermodynamic stability) indicates that this missense variant is expected to disrupt POLG protein function with a positive predictive value of 95%. Experimental studies have shown that this missense change affects POLG function (PMID: 27987238). In summary, the available evidence is currently insufficient to determine the role of this variant in disease. Therefore, it has been classified as a Variant of Uncertain Significance.

Blueprint Genetics
Classification: Uncertain significance. Last evaluated: 2024-11-26. Review status: criteria provided, single submitter. Criteria: ACMG Guidelines, 2015. Collection method: clinical testing. Allele origin: germline.

GeneDx
Classification: Uncertain significance. Last evaluated: 2024-11-26. Review status: criteria provided, single submitter. Criteria: GeneDx Variant Classification Process June 2021. Collection method: clinical testing. Allele origin: germline. Affected: yes.
Comment: Observed as heterozygous in a patient with multiple mtDNA deletions in muscle and spastic ataxic gait; a second variant in POLG was not identified and segregation studies were not reported (PMID: 28130605); Functional studies suggest this variant may be associated with reduced exonuclease activity and normal polymerase activity (PMID: 27987238); In silico analysis supports that this missense variant has a deleterious effect on protein structure/function; This variant is associated with the following publications: (PMID: 28944914, 27987238, WangAnni2023[article], 32613234, 35861376, 28130605)

CeGaT Center for Human Genetics Tuebingen
Classification: Uncertain significance. Last evaluated: 2023-08-01. Review status: criteria provided, single submitter. Criteria: CeGaT Center For Human Genetics Tuebingen Variant Classification Criteria Version 2. Collection method: clinical testing. Allele origin: germline. Affected: yes. Observed: 1 variant allele.
Comment: POLG: PS4:Moderate, PP3

Institute of Human Genetics, University of Goettingen
Classification: Uncertain significance for Progressive sclerosing poliodystrophy. Last evaluated: 2021-03-03. Review status: criteria provided, single submitter. Criteria: ACMG Guidelines, 2015. Collection method: clinical testing. Allele origin: germline. Inheritance: Autosomal recessive inheritance. Affected: yes. Observed: 1 variant allele, 1 heterozygote.
Comment: The variant is absent from gnomAD and not described before. The variant is predicted to be damaging. In summary and based on ACMG criteria PM2, PP3 we classify this variant as Variant of unknown significance.

Genetic Services Laboratory, University of Chicago
Classification: Uncertain significance. Last evaluated: 2013-10-30. Review status: criteria provided, single submitter. Criteria: ACMG Guidelines, 2007. Collection method: clinical testing. Allele origin: germline. Inheritance: Autosomal recessive inheritance.

Literature cited by the submitters: PubMed 28130605 (cited by Mayo Clinic Laboratories, Mayo Clinic and Labcorp Genetics (formerly Invitae), Labcorp); PubMed 32613234 (cited by Mayo Clinic Laboratories, Mayo Clinic and Labcorp Genetics (formerly Invitae), Labcorp); PubMed 35861376 (cited by Mayo Clinic Laboratories, Mayo Clinic); PubMed 27987238 (cited by Labcorp Genetics (formerly Invitae), Labcorp).